The following is an entry in ClinVar:

ClinVar aggregate classification (germline): Uncertain significance (1 of 4 stars; one submission).

gnomAD v4.1: 30 of 1,612,642 alleles (0.0019%); highest among the groups gnomAD compares: South Asian, 0.0044%; no homozygotes.

Submission:

Labcorp Genetics (formerly Invitae), Labcorp
Classification: Uncertain significance. Last evaluated: 2025-05-22. Review status: criteria provided, single submitter. Criteria: Invitae Variant Classification Sherloc (09022015). Collection method: clinical testing. Allele origin: germline.
Comment: This sequence change replaces proline, which is neutral and non-polar, with leucine, which is neutral and non-polar, at codon 155 of the DLST protein (p.Pro155Leu). This variant is present in population databases (rs771125023, gnomAD 0.007%). This variant has not been reported in the literature in individuals affected with DLST-related conditions. Invitae Evidence Modeling of protein sequence and biophysical properties (such as structural, functional, and spatial information, amino acid conservation, physicochemical variation, residue mobility, and thermodynamic stability) indicates that this missense variant is not expected to disrupt DLST protein function with a negative predictive value of 80%. In summary, the available evidence is currently insufficient to determine the role of this variant in disease. Therefore, it has been classified as a Variant of Uncertain Significance.

NM_001933.5(DLST):c.464C>T (p.Pro155Leu)

Gene: DLST (dihydrolipoamide S-succinyltransferase; plus strand). Cytogenetic location: 14q24.3.
Variant type: single nucleotide variant.
Coding change: c.464C>T on transcript NM_001933.5 (MANE Select); coding-DNA position 464, C replaced by T.
Protein change: p.Pro155Leu; replaces proline 155 with leucine.
Molecular consequence: missense variant. On other transcripts: non-coding transcript variant (2).
Genome position (GRCh38, 1-based): chr14:74,892,855, C>T. VCF-style: chr14-74892855-C-T. GRCh37 (hg19) VCF-style: chr14-75359558-C-T.
Other names: short protein forms P155L.
Identifiers: ClinVar variation 4737997 (VCV004737997.1).